The following is an entry in ClinVar:

NM_032242.4(PLXNA1):c.3200C>T (p.Thr1067Met)

Gene: PLXNA1 (plexin A1; plus strand). Cytogenetic location: 3q21.3.
Variant type: single nucleotide variant.
Coding change: c.3200C>T on transcript NM_032242.4 (MANE Select); coding-DNA position 3200, C replaced by T.
Protein change: p.Thr1067Met; replaces threonine 1067 with methionine.
Molecular consequence: missense variant.
Genome position (GRCh38, 1-based): chr3:127,016,961, C>T. VCF-style: chr3-127016961-C-T. GRCh37 (hg19) VCF-style: chr3-126735804-C-T.
Other names: short protein forms T1067M.
Identifiers: ClinVar variation 2634502 (VCV002634502.4), dbSNP rs568481403, ClinGen allele CA2593940.

ClinVar aggregate classification (germline): Uncertain significance (1 of 4 stars; one submission).

Conditions:
PLXNA1-related disorder. Also called: PLXNA1-related condition.

Allele frequency attached by ClinVar (database versions not stated): ExAC 0.00008; TOPMed 0.00008; 1000 Genomes Project 30x 0.00016; 1000 Genomes Project 0.00020.
gnomAD v4.1: 103 of 1,613,154 alleles (0.0064%); highest among the groups gnomAD compares: East Asian, 0.018%; no homozygotes.

Submission:

PreventionGenetics, part of Exact Sciences
Classification: Uncertain significance for PLXNA1-related condition. Last evaluated: 2025-02-28. Review status: criteria provided, single submitter. Criteria: ACMG Guidelines, 2015. Collection method: clinical testing. Allele origin: germline.
Comment: The PLXNA1 c.3200C>T variant is predicted to result in the amino acid substitution p.Thr1067Met. This variant has been reported in a patient with isolated hypogonadotropic hypogonadism and hearing loss, although pathogenicity was not established (Men et al. 2021. PubMed ID: 34636164). This variant is reported in 0.020% of alleles in individuals of East Asian descent in gnomAD. At this time, the clinical significance of this variant is uncertain due to the absence of conclusive functional and genetic evidence.